The following is an entry in ClinVar:

ClinVar aggregate classification (germline): Benign. Review status: criteria provided, multiple submitters, no conflicts (2 of 4 stars). 15 submissions from 13 submitters: Benign (11). 4 of the submissions do not count toward it. Last evaluated 2026-02-04.

Conditions:
JAG1-related disorder. Also called: JAG1-related condition; JAG1-related disorders.
Isolated Nonsyndromic Congenital Heart Disease.
Cardiovascular phenotype. Identifiers: MedGen CN230736.
Alagille syndrome due to a JAG1 point mutation. Also called: Alagille Syndrome 1; HEPATIC DUCTULAR HYPOPLASIA, SYNDROMATIC; JAG1-Related Alagille Syndrome. Identifiers: Orphanet 261619, Orphanet 52, MedGen C1956125, MONDO:0016862, OMIM 118450.
Deafness, congenital heart defects, and posterior embryotoxon (DCHE). Identifiers: MedGen C1866053, MONDO:0060713, OMIM 617992.
Tetralogy of Fallot (TOF). Identifiers: Orphanet 3303, MedGen C0039685, MONDO:0008542, OMIM 187500, HP:0001636.

Allele frequency attached by ClinVar (database versions not stated): gnomAD exomes 0.64002 and 0.65132; ExAC 0.65919; gnomAD 0.70800 and 0.71278; 1000 Genomes Project 0.71266; TOPMed 0.71605; 1000 Genomes Project 30x 0.72064; ESP Exome Variant Server 0.72720.
gnomAD v4.1: 1,043,408 of 1,613,856 alleles (65%); highest among the groups gnomAD compares: African/African-American, 90%; 342,200 homozygotes.

Submissions (15):

Labcorp Genetics (formerly Invitae), Labcorp
Classification: Benign for Alagille syndrome due to a JAG1 point mutation. Last evaluated: 2026-02-04. Review status: criteria provided, single submitter. Criteria: Invitae Variant Classification Sherloc (09022015). Collection method: clinical testing. Allele origin: germline.

Blueprint Genetics
Classification: Benign. Last evaluated: 2024-11-28. Review status: criteria provided, single submitter. Criteria: ACMG Guidelines, 2015. Collection method: clinical testing. Allele origin: germline.

Women's Health and Genetics/Laboratory Corporation of America, LabCorp
Classification: Benign. Last evaluated: 2023-04-04. Review status: criteria provided, single submitter. Criteria: LabCorp Variant Classification Summary - May 2015. Collection method: clinical testing. Allele origin: germline.

Mayo Clinic Laboratories, Mayo Clinic
Classification: Benign. Last evaluated: 2022-05-05. Review status: criteria provided, single submitter. Criteria: ACMG Guidelines, 2015. Collection method: clinical testing. Allele origin: germline. Observed: 750 variant alleles.

Genome-Nilou Lab
Classification: Benign for Deafness, congenital heart defects, and posterior embryotoxon. Last evaluated: 2021-08-19. Review status: criteria provided, single submitter. Criteria: ACMG Guidelines, 2015. Collection method: clinical testing. Allele origin: germline. Affected: no.

Genome-Nilou Lab
Classification: Benign for Alagille syndrome due to a JAG1 point mutation. Last evaluated: 2021-08-19. Review status: criteria provided, single submitter. Criteria: ACMG Guidelines, 2015. Collection method: clinical testing. Allele origin: germline. Affected: no.

Genome-Nilou Lab
Classification: Benign for Tetralogy of Fallot. Last evaluated: 2021-08-19. Review status: criteria provided, single submitter. Criteria: ACMG Guidelines, 2015. Collection method: clinical testing. Allele origin: germline. Affected: no.

Eurofins Ntd Llc (ga)
Classification: Benign. Last evaluated: 2018-05-30. Review status: criteria provided, single submitter. Criteria: EGL ClinVar v180209 classification definitions. Collection method: clinical testing. Allele origin: germline. Observed: 2 variant alleles, 2 homozygotes.

Illumina Laboratory Services, Illumina
Classification: Benign for Isolated Nonsyndromic Congenital Heart Disease. Last evaluated: 2018-01-13. Review status: criteria provided, single submitter. Criteria: ICSL Variant Classification Criteria 13 December 2019. Collection method: clinical testing. Allele origin: germline.
Comment: This variant was observed in the ICSL laboratory as part of a predisposition screen in an ostensibly healthy population. It had not been previously curated by ICSL or reported in the Human Gene Mutation Database (HGMD: prior to June 1st, 2018), and was therefore a candidate for classification through an automated scoring system. Utilizing variant allele frequency, disease prevalence and penetrance estimates, and inheritance mode, an automated score was calculated to assess if this variant is too frequent to cause the disease. Based on the score and internal cut-off values, a variant classified as benign is not then subjected to further curation. The score for this variant resulted in a classification of benign for this disease.

Ambry Genetics
Classification: Benign for Cardiovascular phenotype. Last evaluated: 2015-06-12. Review status: criteria provided, single submitter. Criteria: Ambry Variant Classification Scheme 2023. Collection method: clinical testing. Allele origin: germline.

Breakthrough Genomics
Classification: Benign. Review status: criteria provided, single submitter. Criteria: ACMG Guidelines, 2015. Collection method: not provided. Allele origin: germline. Inheritance: Autosomal dominant inheritance. Affected: yes.

PreventionGenetics, part of Exact Sciences
Classification: Benign for JAG1-related condition. Last evaluated: 2023-02-07. Review status: no assertion criteria provided. Collection method: clinical testing. Allele origin: germline. Not counted in ClinVar's aggregate classification.
Comment: This variant is classified as benign based on ACMG/AMP sequence variant interpretation guidelines (Richards et al. 2015 PMID: 25741868, with internal and published modifications).

Clinical Genetics, Academic Medical Center
Classification: Benign. Review status: no assertion criteria provided. Collection method: clinical testing. Allele origin: germline. Affected: yes. Study: VKGL Data-share Consensus. Not counted in ClinVar's aggregate classification.

Diagnostic Laboratory, Department of Genetics, University Medical Center Groningen
Classification: Benign. Review status: no assertion criteria provided. Collection method: clinical testing. Allele origin: germline. Affected: yes. Study: VKGL Data-share Consensus. Not counted in ClinVar's aggregate classification.

Joint Genome Diagnostic Labs from Nijmegen and Maastricht, Radboudumc and MUMC+
Classification: Benign. Review status: no assertion criteria provided. Collection method: clinical testing. Allele origin: germline. Affected: yes. Study: VKGL Data-share Consensus. Not counted in ClinVar's aggregate classification.

NM_000214.3(JAG1):c.3417T>C (p.Tyr1139=)

Gene: JAG1 (jagged canonical Notch ligand 1; minus strand). Cytogenetic location: 20p12.2.
Variant type: single nucleotide variant.
Coding change: c.3417T>C on transcript NM_000214.3 (MANE Select); coding-DNA position 3417, T replaced by C.
Protein change: p.Tyr1139=; no amino-acid change (tyrosine 1139 retained).
Molecular consequence: synonymous variant.
Genome position (GRCh38, 1-based): chr20:10,639,738, A>G on the plus strand (T>C on the coding strand, the complement: JAG1 is on the minus strand). VCF-style: chr20-10639738-A-G. GRCh37 (hg19) VCF-style: chr20-10620386-A-G.
Other names: p.Tyr1139=; c.3417T>C, p.Tyr1139= (LRG_1191t1).
Identifiers: ClinVar variation 137595 (VCV000137595.37), dbSNP rs1051419, ClinGen allele CA291254.
Genomic context (GRCh38, chr20:10,639,738, plus strand): 5'-GTCCTCTTCTACTTCAGAATTGTGTGTCCTTATTTTAGACATTTTGGAGTTCTTGTTCTC[A>G]TAATCCTTGATGGGGACCGTGTTGGCCCCATGTTTCTCAATGGGGTTTTTGATCTGGTTC-3'
Protein context (NP_000205.1, residues 1129-1149): HGANTVPIKD[Tyr1139=]ENKNSKMSKI